The following is an entry in ClinVar:

ClinVar aggregate classification (germline): Benign. Review status: criteria provided, multiple submitters, no conflicts (2 of 4 stars). 4 submissions from 4 submitters: Benign (3). 1 of the submissions does not count toward it. Last evaluated 2026-01-28.

Conditions:
Chitotriosidase deficiency (CHITD). Identifiers: MedGen C3279902, OMIM 614122, MONDO:0013586.

Allele frequency attached by ClinVar (database versions not stated): gnomAD exomes 0.00867; ESP Exome Variant Server 0.00877; ExAC 0.00951; gnomAD 0.00985; TOPMed 0.01001; 1000 Genomes Project 30x 0.02061; 1000 Genomes Project 0.02157.
gnomAD v4.1: 6,574 of 1,612,432 alleles (0.41%); highest among the groups gnomAD compares: East Asian, 5.2%; 146 homozygotes.

Submissions (4):

Labcorp Genetics (formerly Invitae), Labcorp
Classification: Benign for Chitotriosidase deficiency. Last evaluated: 2026-01-28. Review status: criteria provided, single submitter. Criteria: Invitae Variant Classification Sherloc (09022015). Collection method: clinical testing. Allele origin: germline.

Illumina Laboratory Services, Illumina
Classification: Benign for Chitotriosidase deficiency. Last evaluated: 2017-04-27. Review status: criteria provided, single submitter. Criteria: ICSL Variant Classification Criteria 13 December 2019. Collection method: clinical testing. Allele origin: germline.
Comment: This variant was observed as part of a predisposition screen in an ostensibly healthy population. A literature search was performed for the gene, cDNA change, and amino acid change (where applicable). Publications were found based on this search. The evidence from the literature, in combination with allele frequency data from public databases where available, was sufficient to rule this variant out of causing disease. Therefore, this variant is classified as benign.

Breakthrough Genomics
Classification: Benign. Review status: criteria provided, single submitter. Criteria: ACMG Guidelines, 2015. Collection method: not provided. Allele origin: germline. Inheritance: Autosomal recessive inheritance. Affected: yes.

Mayo Clinic Laboratories, Mayo Clinic
Classification: Benign. Last evaluated: 2017-09-26. Review status: no assertion criteria provided. Collection method: clinical testing. Allele origin: unknown. Not counted in ClinVar's aggregate classification.

Literature cited by the submitters: PubMed 27153562 (cited by Illumina Laboratory Services, Illumina).

NM_003465.3(CHIT1):c.764C>G (p.Thr255Ser)

Gene: CHIT1 (chitinase 1; minus strand). Cytogenetic location: 1q32.1.
Variant type: single nucleotide variant.
Coding change: c.764C>G on transcript NM_003465.3 (MANE Select); coding-DNA position 764, C replaced by G.
Protein change: p.Thr255Ser; replaces threonine 255 with serine.
Molecular consequence: missense variant. On other transcripts: non-coding transcript variant (2).
Genome position (GRCh38, 1-based): chr1:203,219,815, G>C on the plus strand (C>G on the coding strand, the complement: CHIT1 is on the minus strand). VCF-style: chr1-203219815-G-C. GRCh37 (hg19) VCF-style: chr1-203188943-G-C.
Other names: c.707C>G, p.Thr236Ser (NM_001256125.2); short protein forms T255S, T236S.
Identifiers: ClinVar variation 558932 (VCV000558932.19), dbSNP rs61745299, ClinGen allele CA1339816.